The following is an entry in ClinVar:

NM_002878.4(RAD51D):c.376del (p.His126fs)

Genes: RAD51L3-RFFL (RAD51L3-RFFL readthrough; minus strand), RAD51D (RAD51 paralog D; minus strand). Cytogenetic location: 17q12.
Variant type: Deletion.
Coding change: c.376del on transcript NM_002878.4 (MANE Select); coding-DNA position 376, one base deleted (C; older notation c.376delC).
Protein change: p.His126fs; shifts the reading frame from histidine 126.
Molecular consequence: frameshift variant. On other transcripts: non-coding transcript variant (1), intron variant (1).
Genome position (GRCh38, 1-based): chr17:35,107,092, G deleted on the plus strand (C on the coding strand, the reverse complement: RAD51D is on the minus strand); the first of 3 consecutive G bases (chr17:35,107,092-35,107,094); deleting any one gives the same sequence. VCF-style (leftmost placement, unchanged base first): chr17-35107091-TG-T. GRCh37 (hg19) VCF-style: chr17-33434110-TG-T.
Other names: c.436del, p.His146fs (NM_001142571.2); c.145-611del (NM_133629.3); short protein forms H146fs, H126fs.
Identifiers: ClinVar variation 3148793 (VCV003148793.1), dbSNP rs2509138759, ClinGen allele CA2825002501.

ClinVar aggregate classification (germline): Pathogenic (1 of 4 stars; one submission).

Conditions:
Breast-ovarian cancer, familial, susceptibility to, 4. Identifiers: Orphanet 145, MedGen C3280345, MONDO:0013669, OMIM 614291.

Submission:

Myriad Genetics, Inc.
Classification: Pathogenic for Breast-ovarian cancer, familial, susceptibility to, 4. Last evaluated: 2024-01-04. Review status: criteria provided, single submitter. Criteria: Myriad Autosomal Dominant, Autosomal Recessive and X-Linked Classification Criteria (2023). Collection method: clinical testing. Allele origin: unknown.
Comment: This variant is considered pathogenic. This variant creates a frameshift predicted to result in premature protein truncation.